The following is an entry in ClinVar:

NM_024666.5(AAGAB):c.821-1G>C

Gene: AAGAB (alpha and gamma adaptin binding protein; minus strand). Cytogenetic location: 15q23.
Variant type: single nucleotide variant.
Coding change: c.821-1G>C on transcript NM_024666.5 (MANE Select); the canonical splice acceptor site of the intron before coding-DNA position 821, G replaced by C.
Molecular consequence: splice acceptor variant.
Genome position (GRCh38, 1-based): chr15:67,203,598, C>G on the plus strand (G>C on the coding strand, the complement: AAGAB is on the minus strand). VCF-style: chr15-67203598-C-G. GRCh37 (hg19) VCF-style: chr15-67495936-C-G.
Other names: c.494-1G>C (NM_001271885.2, NM_001271886.2).
Identifiers: ClinVar variation 4823699 (VCV004823699.4).

ClinVar aggregate classification (germline): Likely pathogenic (1 of 4 stars; one submission).

Submission:

CeGaT Center for Human Genetics Tuebingen
Classification: Likely pathogenic. Last evaluated: 2026-03-01. Review status: criteria provided, single submitter. Criteria: CeGaT Center For Human Genetics Tuebingen Variant Classification Criteria Version 2. Collection method: clinical testing. Allele origin: germline. Affected: yes. Observed: 1 variant allele.
Comment: AAGAB: PVS1:Strong, PM2, PP4